The following is an entry in ClinVar:

NM_021098.3(CACNA1H):c.6233G>A (p.Cys2078Tyr)

Gene: CACNA1H (calcium voltage-gated channel subunit alpha1 H; plus strand). Cytogenetic location: 16p13.3.
Variant type: single nucleotide variant.
Coding change: c.6233G>A on transcript NM_021098.3 (MANE Select); coding-DNA position 6233, G replaced by A.
Protein change: p.Cys2078Tyr; replaces cysteine 2078 with tyrosine.
Molecular consequence: missense variant.
Genome position (GRCh38, 1-based): chr16:1,220,165, G>A. VCF-style: chr16-1220165-G-A. GRCh37 (hg19) VCF-style: chr16-1270165-G-A.
Other names: c.6215G>A, p.Cys2072Tyr (NM_001005407.2); short protein forms C2072Y, C2078Y.
Identifiers: ClinVar variation 2938823 (VCV002938823.3), dbSNP rs2548734788, ClinGen allele CA394149336.

ClinVar aggregate classification (germline): Uncertain significance (1 of 4 stars; one submission).

Conditions:
Hyperaldosteronism, familial, type IV (HALD4). Also called: FH IV; ALDOSTERONISM, PRIMARY, AND HYPERTENSION. Identifiers: Orphanet 642671, MedGen C4310756, MONDO:0014875, OMIM 617027.
Idiopathic generalized epilepsy. Also called: EIG; Generalised epilepsy. Identifiers: MedGen C0270850, MONDO:0005579, OMIM 600669.

Submission:

Labcorp Genetics (formerly Invitae), Labcorp
Classification: Uncertain significance for Idiopathic generalized epilepsy; Hyperaldosteronism, familial, type IV. Last evaluated: 2023-06-30. Review status: criteria provided, single submitter. Criteria: Invitae Variant Classification Sherloc (09022015). Collection method: clinical testing. Allele origin: germline.
Comment: This variant has not been reported in the literature in individuals affected with CACNA1H-related conditions. This sequence change replaces cysteine, which is neutral and slightly polar, with tyrosine, which is neutral and polar, at codon 2078 of the CACNA1H protein (p.Cys2078Tyr). This variant is not present in population databases (gnomAD no frequency). Advanced modeling of protein sequence and biophysical properties (such as structural, functional, and spatial information, amino acid conservation, physicochemical variation, residue mobility, and thermodynamic stability) performed at Invitae indicates that this missense variant is not expected to disrupt CACNA1H protein function. In summary, the available evidence is currently insufficient to determine the role of this variant in disease. Therefore, it has been classified as a Variant of Uncertain Significance.